The following is an entry in ClinVar:

NM_017654.4(SAMD9):c.4381A>T (p.Lys1461Ter)

Gene: SAMD9 (sterile alpha motif domain containing 9; minus strand). Cytogenetic location: 7q21.2.
Variant type: single nucleotide variant.
Coding change: c.4381A>T on transcript NM_017654.4 (MANE Select); coding-DNA position 4381, A replaced by T.
Protein change: p.Lys1461Ter; replaces lysine 1461 with a stop codon.
Molecular consequence: nonsense.
Genome position (GRCh38, 1-based): chr7:93,101,717, T>A on the plus strand (A>T on the coding strand, the complement: SAMD9 is on the minus strand). VCF-style: chr7-93101717-T-A. GRCh37 (hg19) VCF-style: chr7-92731030-T-A.
Other names: c.4381A>T, p.Lys1461Ter (NM_001193307.2); short protein forms K1461*.
Identifiers: ClinVar variation 5004274 (VCV005004274.1).
Genomic context (GRCh38, chr7:93,101,717, plus strand): 5'-AATATGCAATTGGTTGCTTTGTACGATGCATATGTTTATATTGCCCCTTGAAAGAATTTT[T>A]TAGTGCTTGAGCATACTCTTTCATTTGTTCAGAATGTTGATCTAGTTGTTGATTTTCTGG-3'

ClinVar aggregate classification (germline): Uncertain significance (1 of 4 stars; one submission).

Conditions:
Normophosphatemic familial tumoral calcinosis. Also called: CALCINOSIS, TUMORAL, WITH NORMOPHOSPHATEMIA. Identifiers: Orphanet 306658, Orphanet 53715, MedGen C1864861, MONDO:0012502, OMIM 610455.

Submission:

Myriad Genetics, Inc.
Classification: Uncertain significance for Normophosphatemic familial tumoral calcinosis. Last evaluated: 2025-11-07. Review status: criteria provided, single submitter. Criteria: Myriad Autosomal Dominant, Autosomal Recessive and X-Linked Classification Criteria (2023). Collection method: clinical testing. Allele origin: unknown.
Comment: NM_017654.3(SAMD9):c.4381A>T(K1461*) is a nonsense variant classified as a variant of uncertain significance in the context of normophosphatemic familial tumoral calcinosis. K1461* has not been observed in cases with relevant disease. Relevant functional assessments of this variant are not available in the literature. K1461* has not been observed in referenced population frequency databases. In summary, there is insufficient evidence to classify NM_017654.3(SAMD9):c.4381A>T(K1461*) as pathogenic or benign. Please note: this variant was assessed in the context of healthy population screening.